The following is an entry in ClinVar:

NM_000548.5(TSC2):c.226-338C>T

Gene: TSC2 (TSC complex subunit 2; plus strand). Cytogenetic location: 16p13.3.
Variant type: single nucleotide variant.
Coding change: c.226-338C>T on transcript NM_000548.5 (MANE Select); 338 bases into the intron before coding-DNA position 226, C replaced by T.
Molecular consequence: intron variant.
Genome position (GRCh38, 1-based): chr16:2,053,004, C>T. VCF-style: chr16-2053004-C-T. GRCh37 (hg19) VCF-style: chr16-2103005-C-T.
Other names: c.226-338C>T (NM_001114382.3, NM_021055.3, NM_001370405.1 and 3 more transcripts); c.226-1292C>T (NM_001318827.2); c.-2+2518C>T (NM_001318831.2); c.79-338C>T (NM_001318829.2); c.259-338C>T (NM_001318832.2).
Identifiers: ClinVar variation 680816 (VCV000680816.1), dbSNP rs2516735, ClinGen allele CA14258793.

ClinVar aggregate classification (germline): Likely benign (1 of 4 stars; one submission).

Allele frequency attached by ClinVar (database versions not stated): 1000 Genomes Project 0.02456; 1000 Genomes Project 30x 0.02608; gnomAD 0.03209 and 0.03234; TOPMed 0.03506.
gnomAD v4.1: 4,899 of 152,268 alleles (3.2%); highest among the groups gnomAD compares: Admixed American, 8.3%; 148 homozygotes.

Submission:

GeneDx
Classification: Likely benign. Last evaluated: 2018-06-14. Review status: criteria provided, single submitter. Criteria: GeneDx Variant Classification (06012015). Collection method: clinical testing. Allele origin: germline. Affected: yes.
Comment: This variant is considered likely benign or benign based on one or more of the following criteria: it is a conservative change, it occurs at a poorly conserved position in the protein, it is predicted to be benign by multiple in silico algorithms, and/or has population frequency not consistent with disease.